The following is an entry in ClinVar:

ClinVar aggregate classification (germline): Uncertain significance (1 of 4 stars; one submission).

Allele frequency attached by ClinVar (database versions not stated): gnomAD exomes below 0.00001.

Submission:

Ambry Genetics
Classification: Uncertain significance. Last evaluated: 2022-08-01. Review status: criteria provided, single submitter. Criteria: Ambry Variant Classification Scheme 2023. Collection method: clinical testing. Allele origin: germline.
Comment: The p.Q239H variant (also known as c.717G>C), located in coding exon 1 of the EGLN2 gene, results from a G to C substitution at nucleotide position 717. The glutamine at codon 239 is replaced by histidine, an amino acid with highly similar properties. This amino acid position is conserved. In addition, this alteration is predicted to be tolerated by in silico analysis. Since supporting evidence is limited at this time, the clinical significance of this alteration remains unclear.

NM_080732.4(EGLN2):c.717G>C (p.Gln239His)

Genes: EGLN2 (egl-9 family hypoxia inducible factor 2; plus strand), RAB4B-EGLN2 (RAB4B-EGLN2 readthrough (NMD candidate); plus strand). Cytogenetic location: 19q13.2.
Variant type: single nucleotide variant.
Coding change: c.717G>C on transcript NM_080732.4 (MANE Select); coding-DNA position 717, G replaced by C.
Protein change: p.Gln239His; replaces glutamine 239 with histidine.
Molecular consequence: missense variant. On other transcripts: non-coding transcript variant (1).
Genome position (GRCh38, 1-based): chr19:40,801,289, G>C. VCF-style: chr19-40801289-G-C. GRCh37 (hg19) VCF-style: chr19-41307194-G-C.
Other names: c.717G>C, p.Gln239His (NM_053046.4); short protein forms Q239H.
Identifiers: ClinVar variation 1757527 (VCV001757527.2), dbSNP rs2515995333, ClinGen allele CA405955831.